The following is an entry in ClinVar:

NM_012208.4(HARS2):c.72C>A (p.Cys24Ter)

Genes: HARS2 (histidyl-tRNA synthetase 2, mitochondrial; plus strand), LOC119407423 (HARS1 and HARS2 bidirectional promoter region; plus strand). Cytogenetic location: 5q31.3.
Variant type: single nucleotide variant.
Coding change: c.72C>A on transcript NM_012208.4 (MANE Select); coding-DNA position 72, C replaced by A.
Protein change: p.Cys24Ter; replaces cysteine 24 with a stop codon.
Molecular consequence: nonsense. On other transcripts: 5 prime UTR variant (1), intron variant (1).
Genome position (GRCh38, 1-based): chr5:140,691,720, C>A. VCF-style: chr5-140691720-C-A. GRCh37 (hg19) VCF-style: chr5-140071305-C-A.
Other names: c.72C>A, p.Cys24Ter (NM_001278731.2, NM_001363535.2); c.-239C>A (NM_001278732.2); c.-325-75C>A (NM_001363536.2); short protein forms C24*.
Identifiers: ClinVar variation 635273 (VCV000635273.2), dbSNP rs1581536078, ClinGen allele CA361192305.
Genomic context (GRCh38, chr5:140,691,720, plus strand): 5'-CGGACTTCTTCCCAGGAGGGCCTGGGCTTCGCTGCTCAGCCAGCTCCTGCGACCGCCCTG[C>A]GCTTCGTGCACCGGGGCGGTCCGTTGCCAAAGCCAGGTGAGCGAGACAGAATTATCTCTG-3'

ClinVar aggregate classification (germline): Likely pathogenic (0 of 4 stars; one submission).

Conditions:
Sensorineural hearing loss disorder. Also called: Sensorineural hearing loss; Sensorineural hearing impairment; Sensorineural Deafness. Identifiers: MedGen C0018784, MeSH D006319, MONDO:0020678, HP:0000407.

Allele frequency attached by ClinVar (database versions not stated): gnomAD exomes below 0.00001.
gnomAD v4.1: 1 of 1,552,590 alleles (0.000064%); highest among the groups gnomAD compares: East Asian, 0.0024%; no homozygotes.

Submission:

Dept. of Evolution and Genomic Sciences, University of Manchester
Classification: Likely pathogenic for Sensorineural hearing loss disorder. Last evaluated: 2019-01-17. Review status: no assertion criteria provided. Collection method: clinical testing. Allele origin: unknown. Inheritance: Autosomal recessive inheritance. Affected: yes. Observed: 1 variant allele.
Comment: Loss of function variant in a known hearing loss gene.